The following is an entry in ClinVar:

NM_003718.5(CDK13):c.445G>A (p.Val149Met)

Genes: CDK13 (cyclin dependent kinase 13; plus strand), LOC129998292 (ATAC-STARR-seq lymphoblastoid silent region 18115; plus strand). Cytogenetic location: 7p14.1.
Variant type: single nucleotide variant.
Coding change: c.445G>A on transcript NM_003718.5 (MANE Select); coding-DNA position 445, G replaced by A.
Protein change: p.Val149Met; replaces valine 149 with methionine.
Molecular consequence: missense variant.
Genome position (GRCh38, 1-based): chr7:39,951,086, G>A. VCF-style: chr7-39951086-G-A. GRCh37 (hg19) VCF-style: chr7-39990685-G-A.
Other names: c.445G>A, p.Val149Met (NM_031267.4); short protein forms V149M.
Identifiers: ClinVar variation 3623614 (VCV003623614.2).

ClinVar aggregate classification (germline): Uncertain significance (1 of 4 stars; one submission).

Submission:

Labcorp Genetics (formerly Invitae), Labcorp
Classification: Uncertain significance. Last evaluated: 2024-07-23. Review status: criteria provided, single submitter. Criteria: Invitae Variant Classification Sherloc (09022015). Collection method: clinical testing. Allele origin: germline.
Comment: This sequence change replaces valine, which is neutral and non-polar, with methionine, which is neutral and non-polar, at codon 149 of the CDK13 protein (p.Val149Met). This variant is not present in population databases (gnomAD no frequency). This variant has not been reported in the literature in individuals affected with CDK13-related conditions. Advanced modeling of protein sequence and biophysical properties (such as structural, functional, and spatial information, amino acid conservation, physicochemical variation, residue mobility, and thermodynamic stability) has been performed at Invitae for this missense variant, however the output from this modeling did not meet the statistical confidence thresholds required to predict the impact of this variant on CDK13 protein function. In summary, the available evidence is currently insufficient to determine the role of this variant in disease. Therefore, it has been classified as a Variant of Uncertain Significance.